The following is an entry in ClinVar:

ClinVar aggregate classification (germline): Uncertain significance (1 of 4 stars; one submission).

Conditions:
Adams-Oliver syndrome 5 (AOS5). Identifiers: Orphanet 974, MedGen C4014970, MONDO:0014459, OMIM 616028.

Submission:

Labcorp Genetics (formerly Invitae), Labcorp
Classification: Uncertain significance for Adams-Oliver syndrome 5. Last evaluated: 2025-10-15. Review status: criteria provided, single submitter. Criteria: Invitae Variant Classification Sherloc (09022015). Collection method: clinical testing. Allele origin: germline.
Comment: This sequence change replaces asparagine, which is neutral and polar, with lysine, which is basic and polar, at codon 605 of the NOTCH1 protein (p.Asn605Lys). This variant is not present in population databases (gnomAD no frequency). This variant has not been reported in the literature in individuals affected with NOTCH1-related conditions. ClinVar contains an entry for this variant (Variation ID: 571264). Invitae Evidence Modeling of protein sequence and biophysical properties (such as structural, functional, and spatial information, amino acid conservation, physicochemical variation, residue mobility, and thermodynamic stability) indicates that this missense variant is not expected to disrupt NOTCH1 protein function with a negative predictive value of 95%. In summary, the available evidence is currently insufficient to determine the role of this variant in disease. Therefore, it has been classified as a Variant of Uncertain Significance.

NM_017617.5(NOTCH1):c.1815C>G (p.Asn605Lys)

Gene: NOTCH1 (notch receptor 1; minus strand). Cytogenetic location: 9q34.3.
Variant type: single nucleotide variant.
Coding change: c.1815C>G on transcript NM_017617.5 (MANE Select); coding-DNA position 1815, C replaced by G.
Protein change: p.Asn605Lys; replaces asparagine 605 with lysine.
Molecular consequence: missense variant.
Genome position (GRCh38, 1-based): chr9:136,515,571, G>C on the plus strand (C>G on the coding strand, the complement: NOTCH1 is on the minus strand). VCF-style: chr9-136515571-G-C. GRCh37 (hg19) VCF-style: chr9-139410023-G-C.
Other names: c.1815C>G, p.Asn605Lys (LRG_1122t1); short protein forms N605K.
Identifiers: ClinVar variation 571264 (VCV000571264.9), dbSNP rs781029850, ClinGen allele CA375559781.